The following is an entry in ClinVar:

ClinVar aggregate classification (germline): Uncertain significance (1 of 4 stars; one submission).

Allele frequency attached by ClinVar (database versions not stated): gnomAD exomes below 0.00001; TOPMed below 0.00001; gnomAD 0.00001; ExAC 0.00002.
gnomAD v4.1: 3 of 1,611,752 alleles (0.00019%); highest among the groups gnomAD compares: African/African-American, 0.0027%; no homozygotes.

Submission:

Labcorp Genetics (formerly Invitae), Labcorp
Classification: Uncertain significance. Last evaluated: 2022-03-19. Review status: criteria provided, single submitter. Criteria: Invitae Variant Classification Sherloc (09022015). Collection method: clinical testing. Allele origin: germline.
Comment: Advanced modeling of protein sequence and biophysical properties (such as structural, functional, and spatial information, amino acid conservation, physicochemical variation, residue mobility, and thermodynamic stability) performed at Invitae indicates that this missense variant is not expected to disrupt PCYT1A protein function. In summary, the available evidence is currently insufficient to determine the role of this variant in disease. Therefore, it has been classified as a Variant of Uncertain Significance. This variant has not been reported in the literature in individuals affected with PCYT1A-related conditions. This sequence change replaces alanine, which is neutral and non-polar, with valine, which is neutral and non-polar, at codon 176 of the PCYT1A protein (p.Ala176Val). This variant is present in population databases (rs770821991, gnomAD 0.007%).

NM_001312673.2(PCYT1A):c.527C>T (p.Ala176Val)

Gene: PCYT1A (phosphate cytidylyltransferase 1A, choline; minus strand). Cytogenetic location: 3q29.
Variant type: single nucleotide variant.
Coding change: c.527C>T on transcript NM_001312673.2 (MANE Select); coding-DNA position 527, C replaced by T.
Protein change: p.Ala176Val; replaces alanine 176 with valine.
Molecular consequence: missense variant.
Genome position (GRCh38, 1-based): chr3:196,242,600, G>A on the plus strand (C>T on the coding strand, the complement: PCYT1A is on the minus strand). VCF-style: chr3-196242600-G-A. GRCh37 (hg19) VCF-style: chr3-195969471-G-A.
Other names: c.527C>T, p.Ala176Val (NM_005017.4); short protein forms A176V.
Identifiers: ClinVar variation 2114253 (VCV002114253.3), dbSNP rs770821991, ClinGen allele CA2779504.